The following is an entry in ClinVar:

NM_001206927.2(DNAH8):c.9812_9813insGGGCCGGGCGCGGTGGCTCACGCCTGTAATCCCAGCACTTTGGGAGGCCGAGGCGGGCGGATCACGAGNNNNNNNNNNAAAAAAAAAAAAAAAAAAAAAAAAACATTTATGC (p.Glu3272fs)

Genes: DNAH8 (dynein axonemal heavy chain 8; plus strand), DNAH8-AS1 (DNAH8 antisense RNA 1; minus strand). Cytogenetic location: 6p21.2.
Variant type: Microsatellite.
Coding change: c.9812_9813insGGGCCGGGCGCGGTGGCTCACGCCTGTAATCCCAGCACTTTGGGAGGCCGAGGCGGGCGGATCACGAGNNNNNNNNNNAAAAAAAAAAAAAAAAAAAAAAAAACATTTATGC on transcript NM_001206927.2 (MANE Select); coding-DNA positions 9812 to 9813, GGGCCGGGCGCGGTGGCTCACGCCTGTAATCCCAGCACTTTGGGAGGCCGAGGCGGGCGGATCACGAGNNNNNNNNNNAAAAAAAAAAAAAAAAAAAAAAAAACATTTATGC inserted.
Protein change: p.Glu3272fs; shifts the reading frame from glutamic acid 3272.
Molecular consequence: frameshift variant.
Genome position: GRCh38: chr6:38,911,526-38,911,539. GRCh37 (hg19): chr6:38,879,302-38,879,315.
Other names: c.9161_9162insGGGCCGGGCGCGGTGGCTCACGCCTGTAATCCCAGCACTTTGGGAGGCCGAGGCGGGCGGATCACGAGNNNNNNNNNNAAAAAAAAAAAAAAAAAAAAAAAAACATTTATGC, p.Glu3055fs (NM_001371.4); short protein forms E3272fs, E3055fs.
Identifiers: ClinVar variation 2033017 (VCV002033017.4).

ClinVar aggregate classification (germline): Pathogenic (1 of 4 stars; one submission).

Conditions:
Primary ciliary dyskinesia. Also called: Ciliary dyskinesia. Identifiers: Orphanet 244, MedGen C0008780, MONDO:0016575, HP:0012265.

Submission:

Labcorp Genetics (formerly Invitae), Labcorp
Classification: Pathogenic for Primary ciliary dyskinesia. Last evaluated: 2022-09-27. Review status: criteria provided, single submitter. Criteria: Invitae Variant Classification Sherloc (09022015). Collection method: clinical testing. Allele origin: germline.
Comment: Retrotransposon insertions including LINE1 (L1), Alu, and SVA (SINE-VNTR-Alu) have been reported to be disease-causing through disruption of either a coding region or splice site (PMID: 19763152, 20307669, 22406018) and loss-of-function variants in DNAH8 are known to be pathogenic (PMID: 24307375, 32619401, 32681648). For these reasons, this variant has been classified as Pathogenic. Algorithms developed to predict the effect of sequence changes on RNA splicing suggest that this variant may disrupt the consensus splice site. This variant has not been reported in the literature in individuals affected with DNAH8-related conditions. This variant is not present in population databases (gnomAD no frequency). This sequence change inserts a large fragment of DNA, likely a transposable element, in exon 66 of the DNAH8 gene (c.9812_9813ins?), causing a frameshift at codon 3272 (p.Glu3272fs). The exact size and sequence of the insertion cannot be determined by the current assay. However, the insertion is expected to result in an absent or disrupted protein product.

Literature cited by the submitters: PubMed 19763152; PubMed 20307669; PubMed 22406018; PubMed 24307375; PubMed 32619401; PubMed 32681648.